The following is an entry in ClinVar:

NM_014423.4(AFF4):c.2849T>C (p.Ile950Thr)

Gene: AFF4 (ALF transcription elongation factor 4; minus strand). Cytogenetic location: 5q31.1.
Variant type: single nucleotide variant.
Coding change: c.2849T>C on transcript NM_014423.4 (MANE Select); coding-DNA position 2849, T replaced by C.
Protein change: p.Ile950Thr; replaces isoleucine 950 with threonine.
Molecular consequence: missense variant.
Genome position (GRCh38, 1-based): chr5:132,887,930, A>G on the plus strand (T>C on the coding strand, the complement: AFF4 is on the minus strand). VCF-style: chr5-132887930-A-G. GRCh37 (hg19) VCF-style: chr5-132223622-A-G.
Other names: short protein forms I950T.
Identifiers: ClinVar variation 4528003 (VCV004528003.1).

ClinVar aggregate classification (germline): Uncertain significance (1 of 4 stars; one submission).

Submission:

GeneDx
Classification: Uncertain significance. Last evaluated: 2025-05-03. Review status: criteria provided, single submitter. Criteria: GeneDx Variant Classification Process June 2021. Collection method: clinical testing. Allele origin: germline. Affected: yes.
Comment: Not observed at significant frequency in large population cohorts (gnomAD); In silico analysis supports that this missense variant has a deleterious effect on protein structure/function; Has not been previously published as pathogenic or benign to our knowledge